The following is an entry in ClinVar:

ClinVar aggregate classification (germline): Uncertain significance. Review status: criteria provided, multiple submitters, no conflicts (2 of 4 stars). 2 submissions from 2 submitters: Uncertain significance (2). Last evaluated 2024-12-26.

Conditions:
SCLT1-related disorder. Also called: SCLT1-related condition.

Allele frequency attached by ClinVar (database versions not stated): gnomAD exomes below 0.00001 and 0.00001; ExAC 0.00001.
gnomAD v4.1: 16 of 1,606,668 alleles (0.001%); highest among the groups gnomAD compares: Non-Finnish European, 0.0014%; no homozygotes.

Submissions (2):

PreventionGenetics, part of Exact Sciences
Classification: Uncertain significance for SCLT1-related condition. Last evaluated: 2024-12-26. Review status: criteria provided, single submitter. Criteria: ACMG Guidelines, 2015. Collection method: clinical testing. Allele origin: germline.
Comment: The SCLT1 c.793T>C variant is predicted to result in the amino acid substitution p.Ser265Pro. To our knowledge, this variant has not been reported in the literature. This variant is reported in 0.00088% of alleles in individuals of European (Non-Finnish) descent in gnomAD. At this time, the clinical significance of this variant is uncertain due to the absence of conclusive functional and genetic evidence.

Labcorp Genetics (formerly Invitae), Labcorp
Classification: Uncertain significance. Last evaluated: 2021-10-14. Review status: criteria provided, single submitter. Criteria: Invitae Variant Classification Sherloc (09022015). Collection method: clinical testing. Allele origin: germline.
Comment: In summary, the available evidence is currently insufficient to determine the role of this variant in disease. Therefore, it has been classified as a Variant of Uncertain Significance. This sequence change replaces serine with proline at codon 265 of the SCLT1 protein (p.Ser265Pro). The serine residue is highly conserved and there is a moderate physicochemical difference between serine and proline. This variant is present in population databases (rs781533613, ExAC 0.001%). This variant has not been reported in the literature in individuals affected with SCLT1-related conditions. Algorithms developed to predict the effect of missense changes on protein structure and function are either unavailable or do not agree on the potential impact of this missense change (SIFT: "Deleterious"; PolyPhen-2: "Benign"; Align-GVGD: "Class C0").

NM_144643.4(SCLT1):c.793T>C (p.Ser265Pro)

Gene: SCLT1 (sodium channel and clathrin linker 1; minus strand). Cytogenetic location: 4q28.2.
Variant type: single nucleotide variant.
Coding change: c.793T>C on transcript NM_144643.4 (MANE Select); coding-DNA position 793, T replaced by C.
Protein change: p.Ser265Pro; replaces serine 265 with proline.
Molecular consequence: missense variant.
Genome position (GRCh38, 1-based): chr4:128,965,303, A>G on the plus strand (T>C on the coding strand, the complement: SCLT1 is on the minus strand). VCF-style: chr4-128965303-A-G. GRCh37 (hg19) VCF-style: chr4-129886458-A-G.
Other names: c.793T>C (NM_144643.3); short protein forms S265P.
Identifiers: ClinVar variation 1387121 (VCV001387121.7), dbSNP rs781533613, ClinGen allele CA3079801.